The following is an entry in ClinVar:

ClinVar aggregate classification (germline): Likely benign. Review status: criteria provided, multiple submitters, no conflicts (2 of 4 stars). 4 submissions from 4 submitters: Likely benign (3). 1 of the submissions does not count toward it. Last evaluated 2026-06-01.

Conditions:
Myasthenic syndrome, congenital, 22 (CMS22). Also called: PREPL DEFICIENCY. Identifiers: MedGen C4479088, MONDO:0044299, OMIM 616224.

Allele frequency attached by ClinVar (database versions not stated): gnomAD exomes 0.00084 and 0.00159; ExAC 0.00157; ESP Exome Variant Server 0.00185; gnomAD 0.00218; TOPMed 0.00280; 1000 Genomes Project 0.00439; 1000 Genomes Project 30x 0.00515.
gnomAD v4.1: 1,665 of 1,607,868 alleles (0.1%); highest among the groups gnomAD compares: Middle Eastern, 0.69%; 2 homozygotes.

Submissions (4):

CeGaT Center for Human Genetics Tuebingen
Classification: Likely benign. Last evaluated: 2026-06-01. Review status: criteria provided, single submitter. Criteria: CeGaT Center For Human Genetics Tuebingen Variant Classification Criteria Version 2. Collection method: clinical testing. Allele origin: germline. Affected: yes. Observed: 5 variant alleles.
Comment: PREPL: BP4, BS2

Labcorp Genetics (formerly Invitae), Labcorp
Classification: Likely benign for Myasthenic syndrome, congenital, 22. Last evaluated: 2026-01-25. Review status: criteria provided, single submitter. Criteria: Invitae Variant Classification Sherloc (09022015). Collection method: clinical testing. Allele origin: germline.

Blueprint Genetics
Classification: Likely benign. Last evaluated: 2024-11-21. Review status: criteria provided, single submitter. Criteria: ACMG Guidelines, 2015. Collection method: clinical testing. Allele origin: germline.

Department of Pathology and Laboratory Medicine, Sinai Health System
Classification: Likely benign. Review status: no assertion criteria provided. Collection method: clinical testing. Allele origin: unknown. Affected: yes. Study: The Canadian Open Genetics Repository (COGR). Not counted in ClinVar's aggregate classification.
Comment: The PREPL p.Lys532Arg variant was not identified in the literature but was identified in dbSNP (ID: rs111438719) and ClinVar (classified as likely benign by Invitae and as uncertain significance by CeGaT Praxis fuer Humangenetik Tuebingen). The variant was identified in control databases in 433 of 280810 chromosomes (1 homozygous) at a frequency of 0.001542 increasing the likelihood this could be a low frequency benign variant (Genome Aggregation Database March 6, 2019, v2.1.1). The variant was observed in the following populations: Ashkenazi Jewish in 60 of 10336 chromosomes (freq: 0.005805), Latino in 142 of 35010 chromosomes (freq: 0.004056), African in 84 of 24904 chromosomes (freq: 0.003373), Other in 18 of 7174 chromosomes (freq: 0.002509), European (non-Finnish) in 116 of 128520 chromosomes (freq: 0.000903) and South Asian in 13 of 30024 chromosomes (freq: 0.000433), but was not observed in the East Asian or European (Finnish) populations. The p.Lys532 residue is conserved in mammals but not in more distantly related organisms however four out of five computational analyses (PolyPhen-2, SIFT, AlignGVGD, BLOSUM, MutationTaster) do not suggest a high likelihood of impact to the protein; this information is not predictive enough to rule out pathogenicity. The variant occurs outside of the splicing consensus sequence and in silico or computational prediction software programs (SpliceSiteFinder, MaxEntScan, NNSPLICE, GeneSplicer) do not predict a difference in splicing. In summary, based on the above information the clinical significance of this variant cannot be determined with certainty at this time although we would lean towards a more benign role for this variant. This variant is classified as likely benign.

NM_001171613.2(PREPL):c.1595A>G (p.Lys532Arg)

Gene: PREPL (prolyl endopeptidase like; minus strand). Cytogenetic location: 2p21.
Variant type: single nucleotide variant.
Coding change: c.1595A>G on transcript NM_001171613.2 (MANE Select); coding-DNA position 1595, A replaced by G.
Protein change: p.Lys532Arg; replaces lysine 532 with arginine.
Molecular consequence: missense variant.
Genome position (GRCh38, 1-based): chr2:44,323,296, T>C on the plus strand (A>G on the coding strand, the complement: PREPL is on the minus strand). VCF-style: chr2-44323296-T-C. GRCh37 (hg19) VCF-style: chr2-44550435-T-C.
Other names: c.1862A>G, p.Lys621Arg (NM_006036.4, NM_001171603.1, NM_001171606.2 and 2 more transcripts); c.1676A>G, p.Lys559Arg (NM_001042385.2); c.1664A>G, p.Lys555Arg (NM_001042386.2); c.1595A>G, p.Lys532Arg (NM_001171617.1, NM_001374277.1); short protein forms K621R, K559R, K555R, K532R.
Identifiers: ClinVar variation 478312 (VCV000478312.54), dbSNP rs111438719, ClinGen allele CA1641045.
Genomic context (GRCh38, chr2:44,323,296, plus strand): 5'-AATCTAACACAATTGTCTTTCACTACCTGAGGTTTAATATTTTGATAGGGACAGTAACGT[T>C]TTATGTAGTTCTTGTGTTTTTCATCAGATGAAGGATTCCCCCATTCTTCTAATTCTTCTA-3'
Protein context (NP_001165084.1, residues 522-542): SSDEKHKNYI[Lys532Arg]RYCPYQNIKP